The following is an entry in ClinVar:

ClinVar aggregate classification (germline): Uncertain significance (1 of 4 stars; one submission).

Submission:

Ambry Genetics
Classification: Uncertain significance. Last evaluated: 2022-10-04. Review status: criteria provided, single submitter. Criteria: Ambry Variant Classification Scheme 2023. Collection method: clinical testing. Allele origin: germline.
Comment: The p.L1483P variant (also known as c.4448T>C), located in coding exon 35 of the PRKDC gene, results from a T to C substitution at nucleotide position 4448. The leucine at codon 1483 is replaced by proline, an amino acid with similar properties. This amino acid position is conserved. Since supporting evidence is limited at this time, the clinical significance of this alteration remains unclear.

NM_006904.7(PRKDC):c.4448T>C (p.Leu1483Pro)

Gene: PRKDC (protein kinase, DNA-activated, catalytic subunit; minus strand). Cytogenetic location: 8q11.21.
Variant type: single nucleotide variant.
Coding change: c.4448T>C on transcript NM_006904.7 (MANE Select); coding-DNA position 4448, T replaced by C.
Protein change: p.Leu1483Pro; replaces leucine 1483 with proline.
Molecular consequence: missense variant.
Genome position (GRCh38, 1-based): chr8:47,887,671, A>G on the plus strand (T>C on the coding strand, the complement: PRKDC is on the minus strand). VCF-style: chr8-47887671-A-G. GRCh37 (hg19) VCF-style: chr8-48800232-A-G.
Other names: c.4448T>C, p.Leu1483Pro (NM_001081640.2); short protein forms L1483P.
Identifiers: ClinVar variation 1740662 (VCV001740662.2), dbSNP rs2551873395, ClinGen allele CA371144128.